The following is an entry in ClinVar:

NM_000419.5(ITGA2B):c.2930G>A (p.Arg977Gln)

Gene: ITGA2B (integrin subunit alpha 2b; minus strand). Cytogenetic location: 17q21.31.
Variant type: single nucleotide variant.
Coding change: c.2930G>A on transcript NM_000419.5 (MANE Select); coding-DNA position 2930, G replaced by A.
Protein change: p.Arg977Gln; replaces arginine 977 with glutamine.
Molecular consequence: missense variant.
Genome position (GRCh38, 1-based): chr17:44,374,672, C>T on the plus strand (G>A on the coding strand, the complement: ITGA2B is on the minus strand). VCF-style: chr17-44374672-C-T. GRCh37 (hg19) VCF-style: chr17-42452040-C-T.
Other names: short protein forms R977Q.
Identifiers: ClinVar variation 2908097 (VCV002908097.3), dbSNP rs753409781, ClinGen allele CA8602527.
Genomic context (GRCh38, chr17:44,374,672, plus strand): 5'-CAATGGGTCCTGCAGGACTGGTCTCTGCTCCATCCCCCCACACTCACCTGAGCTTCCCCT[C>T]GGGGCAGGCTGAGCGGGGGCACCGCATAGGGGAGGGAGGACACGTTGAACCATGCGTGCG-3'
Protein context (NP_000410.2, residues 967-987): PYAVPPLSLP[Arg977Gln]GEAQVWTQLL

ClinVar aggregate classification (germline): Uncertain significance (1 of 4 stars; one submission).

Conditions:
Glanzmann thrombasthenia. Also called: BLEEDING DISORDER, PLATELET-TYPE, 2; THROMBASTHENIA OF GLANZMANN AND NAEGELI; PLATELET GLYCOPROTEIN IIb-IIIa DEFICIENCY; Glanzmann's thrombasthenia; Thrombasthenia. Identifiers: Orphanet 849, MedGen C0040015, MONDO:0100326.

Allele frequency attached by ClinVar (database versions not stated): gnomAD exomes 0.00001; TOPMed 0.00001; ExAC 0.00002.
gnomAD v4.1: 11 of 1,613,908 alleles (0.00068%); highest among the groups gnomAD compares: South Asian, 0.0022%; no homozygotes.

Submission:

Labcorp Genetics (formerly Invitae), Labcorp
Classification: Uncertain significance for Glanzmann thrombasthenia. Last evaluated: 2023-08-19. Review status: criteria provided, single submitter. Criteria: Invitae Variant Classification Sherloc (09022015). Collection method: clinical testing. Allele origin: germline.
Comment: In summary, the available evidence is currently insufficient to determine the role of this variant in disease. Therefore, it has been classified as a Variant of Uncertain Significance. Advanced modeling of protein sequence and biophysical properties (such as structural, functional, and spatial information, amino acid conservation, physicochemical variation, residue mobility, and thermodynamic stability) performed at Invitae indicates that this missense variant is not expected to disrupt ITGA2B protein function. This variant has not been reported in the literature in individuals affected with ITGA2B-related conditions. This variant is present in population databases (rs753409781, gnomAD 0.003%). This sequence change replaces arginine, which is basic and polar, with glutamine, which is neutral and polar, at codon 977 of the ITGA2B protein (p.Arg977Gln).